The following is an entry in ClinVar:

NM_000441.2(SLC26A4):c.549del (p.Ala184fs)

Gene: SLC26A4 (solute carrier family 26 member 4; plus strand). Cytogenetic location: 7q22.3.
Variant type: Deletion.
Coding change: c.549del on transcript NM_000441.2 (MANE Select); coding-DNA position 549, one base deleted (A; older notation c.549delA).
Protein change: p.Ala184fs; shifts the reading frame from alanine 184.
Molecular consequence: frameshift variant.
Genome position (GRCh38, 1-based): chr7:107,674,297, A deleted. VCF-style (leftmost placement, unchanged base first): chr7-107674296-CA-C. GRCh37 (hg19) VCF-style: chr7-107314741-CA-C.
Other names: c.549delA (NM_000441.2); short protein forms A184fs.
Identifiers: ClinVar variation 3768561 (VCV003768561.1).
Genomic context (GRCh38, chr7:107,674,296, plus strand): 5'-TATCCAGCAGCAATGGAACTGTATTAAATACTACTATGATAGACACTGCAGCTAGAGATA[CA>C]GCTAGAGTCCTGATTGCCAGTGCCCTGACTCTGCTGGTTGGAATTATACAGGTAATGAAC-3'

ClinVar aggregate classification (germline): Pathogenic (1 of 4 stars; one submission).

Conditions:
Pendred syndrome (PDS). Also called: Pendred Syndrome (PDS); THYROID DYSHORMONOGENESIS 2B; THYROID HORMONOGENESIS, GENETIC DEFECT IN, 2B; DEAFNESS WITH GOITER; GOITER-DEAFNESS SYNDROME; HYPOTHYROIDISM, CONGENITAL, DUE TO DYSHORMONOGENESIS, 2B. Identifiers: Orphanet 705, MedGen C0271829, MONDO:0010134, OMIM 274600.

Submission:

Women's Health and Genetics/Laboratory Corporation of America, LabCorp
Classification: Pathogenic for Pendred syndrome. Last evaluated: 2024-12-17. Review status: criteria provided, single submitter. Criteria: LabCorp Variant Classification Summary - May 2015. Collection method: clinical testing. Allele origin: germline.
Comment: Variant summary: SLC26A4 c.549delA (p.Ala184LeufsX4) results in a premature termination codon, predicted to cause a truncation of the encoded protein or absence of the protein due to nonsense mediated decay, which are commonly known mechanisms for disease. The variant was absent in 251454 control chromosomes (gnomAD). To our knowledge, no occurrence of c.549delA in individuals affected with Pendred Syndrome and no experimental evidence demonstrating its impact on protein function have been reported. No submitters have cited clinical-significance assessments for this variant to ClinVar. Based on the evidence outlined above, the variant was classified as pathogenic.